The following is an entry in ClinVar:

ClinVar aggregate classification (germline): Uncertain significance. Review status: criteria provided, multiple submitters, no conflicts (2 of 4 stars). 4 submissions from 4 submitters: Uncertain significance (4). Last evaluated 2025-01-20.

Conditions:
Noonan syndrome 1 (NS1). Also called: FEMALE PSEUDO-TURNER SYNDROME; TURNER PHENOTYPE WITH NORMAL KARYOTYPE; PTPN11-Related Noonan Syndrome. Identifiers: Orphanet 648, MedGen C4551602, MONDO:0008104, OMIM 163950. Disease mechanism: gain of function.
LEOPARD syndrome 1 (LPRD1). Also called: LENTIGINOSIS, CARDIOMYOPATHIC; MULTIPLE LENTIGINES SYNDROME; PTPN11-Related LEOPARD Syndrome. Identifiers: Orphanet 500, MedGen C4551484, MONDO:0100082, OMIM 151100.
Juvenile myelomonocytic leukemia (JMML). Also called: LEUKEMIA, JUVENILE MYELOMONOCYTIC, SOMATIC. Identifiers: Orphanet 86834, MedGen C0349639, MONDO:0011908, OMIM 607785, HP:0012209.
Metachondromatosis (METCDS). Identifiers: Orphanet 2499, MedGen C0410530, MONDO:0007979, OMIM 156250.
Cardiovascular phenotype. Identifiers: MedGen CN230736.
RASopathy. Also called: rasopathies; Noonan spectrum disorder. Identifiers: Orphanet 536391, MedGen C5555857, MONDO:0021060.

Allele frequency attached by ClinVar (database versions not stated): gnomAD exomes below 0.00001; ExAC 0.00001.
gnomAD v4.1: 3 of 1,611,966 alleles (0.00019%); highest among the groups gnomAD compares: Non-Finnish European, 0.00025%; no homozygotes.

Submissions (4):

Ambry Genetics
Classification: Uncertain significance for Cardiovascular phenotype. Last evaluated: 2025-01-20. Review status: criteria provided, single submitter. Criteria: Ambry Variant Classification Scheme 2023. Collection method: clinical testing. Allele origin: germline.
Comment: The p.S228I variant (also known as c.683G>T), located in coding exon 6 of the PTPN11 gene, results from a G to T substitution at nucleotide position 683. The serine at codon 228 is replaced by isoleucine, an amino acid with dissimilar properties. This amino acid position is conserved. In addition, this alteration is predicted to be deleterious by in silico analysis. Based on the available evidence, the clinical significance of this variant remains unclear.

Labcorp Genetics (formerly Invitae), Labcorp
Classification: Uncertain significance for RASopathy. Last evaluated: 2024-05-23. Review status: criteria provided, single submitter. Criteria: Invitae Variant Classification Sherloc (09022015). Collection method: clinical testing. Allele origin: germline.
Comment: This sequence change replaces serine, which is neutral and polar, with isoleucine, which is neutral and non-polar, at codon 228 of the PTPN11 protein (p.Ser228Ile). This variant is present in population databases (rs748085966, gnomAD 0.0009%). This variant has not been reported in the literature in individuals affected with PTPN11-related conditions. ClinVar contains an entry for this variant (Variation ID: 546460). Advanced modeling of protein sequence and biophysical properties (such as structural, functional, and spatial information, amino acid conservation, physicochemical variation, residue mobility, and thermodynamic stability) performed at Invitae indicates that this missense variant is expected to disrupt PTPN11 protein function with a positive predictive value of 95%. In summary, the available evidence is currently insufficient to determine the role of this variant in disease. Therefore, it has been classified as a Variant of Uncertain Significance.

Fulgent Genetics
Classification: Uncertain significance for LEOPARD syndrome 1; Metachondromatosis; Noonan syndrome 1; Juvenile myelomonocytic leukemia. Last evaluated: 2024-04-16. Review status: criteria provided, single submitter. Criteria: ACMG Guidelines, 2015. Collection method: clinical testing. Allele origin: germline.

GeneDx
Classification: Uncertain significance. Last evaluated: 2018-05-23. Review status: criteria provided, single submitter. Criteria: GeneDx Variant Classification (06012015). Collection method: clinical testing. Allele origin: germline. Affected: yes.
Comment: The S228I variant of uncertain significance in the PTPN11 gene has not been published as pathogenic or benign to our knowledge. This variant is not observed at a significant frequency in large population cohorts (Lek et al., 2016). In addition, S228I is a non-conservative amino acid substitution, which is likely to impact secondary protein structure as these residues differ in polarity, charge, size and/or other properties. In-silico analyses, including protein predictors and evolutionary conservation, support a deleterious effect.

NM_002834.5(PTPN11):c.683G>T (p.Ser228Ile)

Gene: PTPN11 (protein tyrosine phosphatase non-receptor type 11; plus strand). Cytogenetic location: 12q24.13.
Variant type: single nucleotide variant.
Coding change: c.683G>T on transcript NM_002834.5 (MANE Select); coding-DNA position 683, G replaced by T.
Protein change: p.Ser228Ile; replaces serine 228 with isoleucine.
Molecular consequence: missense variant.
Genome position (GRCh38, 1-based): chr12:112,455,990, G>T. VCF-style: chr12-112455990-G-T. GRCh37 (hg19) VCF-style: chr12-112893794-G-T.
Other names: c.683G>T, p.Ser228Ile (NM_001330437.2, NM_080601.3); c.680G>T, p.Ser227Ile (NM_001374625.1); short protein forms S228I, S227I.
Identifiers: ClinVar variation 546460 (VCV000546460.6), dbSNP rs748085966, ClinGen allele CA6798620.
Genomic context (GRCh38, chr12:112,455,990, plus strand): 5'-CAACTGCTGTACTCGATCAGCCCCTTAACACGACTCGTATAAATGCTGCTGAAATAGAAA[G>T]CAGAGTTCGAGAACTAAGCAAATTAGCTGAGACCACAGATAAAGTCAAACAAGGCTTTTG-3'
Protein context (NP_002825.3, residues 218-238): TTRINAAEIE[Ser228Ile]RVRELSKLAE